The following is an entry in ClinVar:

ClinVar aggregate classification (germline): Uncertain significance. Review status: criteria provided, multiple submitters, no conflicts (2 of 4 stars). 2 submissions from 2 submitters: Uncertain significance (2). Last evaluated 2022-04-20.

Conditions:
Epilepsy, progressive myoclonic, 1B. Also called: PME. Identifiers: Orphanet 308, MedGen C2676254, MONDO:0012904, OMIM 612437.

Allele frequency attached by ClinVar (database versions not stated): gnomAD exomes 0.00001 and 0.00002; TOPMed 0.00001; ExAC 0.00002.
gnomAD v4.1: 7 of 1,614,046 alleles (0.00043%); highest among the groups gnomAD compares: Admixed American, 0.0017%; no homozygotes.

Submissions (2):

Labcorp Genetics (formerly Invitae), Labcorp
Classification: Uncertain significance for Epilepsy, progressive myoclonic, 1B. Last evaluated: 2022-04-20. Review status: criteria provided, single submitter. Criteria: Invitae Variant Classification Sherloc (09022015). Collection method: clinical testing. Allele origin: germline.
Comment: This sequence change replaces arginine, which is basic and polar, with tryptophan, which is neutral and slightly polar, at codon 702 of the PRICKLE1 protein (p.Arg702Trp). This variant is present in population databases (rs751021008, gnomAD 0.003%). This variant has not been reported in the literature in individuals affected with PRICKLE1-related conditions. ClinVar contains an entry for this variant (Variation ID: 588440). Algorithms developed to predict the effect of missense changes on protein structure and function output the following: SIFT: "Tolerated"; PolyPhen-2: "Possibly Damaging"; Align-GVGD: "Class C0". The tryptophan amino acid residue is found in multiple mammalian species, which suggests that this missense change does not adversely affect protein function. In summary, the available evidence is currently insufficient to determine the role of this variant in disease. Therefore, it has been classified as a Variant of Uncertain Significance.

Ambry Genetics
Classification: Uncertain significance. Last evaluated: 2016-11-16. Review status: criteria provided, single submitter. Criteria: Ambry Variant Classification Scheme 2023. Collection method: clinical testing. Allele origin: germline.
Comment: The p.R702W variant (also known as c.2104C>T), located in coding exon 7 of the PRICKLE1 gene, results from a C to T substitution at nucleotide position 2104. The arginine at codon 702 is replaced by tryptophan, an amino acid with dissimilar properties. This variant was not reported in population based cohorts in the following databases: Database of Single Nucleotide Polymorphisms (dbSNP), NHLBI Exome Sequencing Project (ESP), and 1000 Genomes Project. In the ESP, this variant was not observed in 6503 samples (13006 alleles) with coverage at this position. This amino acid position is not well conserved in available vertebrate species. In addition, this alteration is predicted to be tolerated by in silico analysis. Since supporting evidence is limited at this time, the clinical significance of this variant remains unclear.

NM_153026.3(PRICKLE1):c.2104C>T (p.Arg702Trp)

Gene: PRICKLE1 (prickle planar cell polarity protein 1; minus strand). Cytogenetic location: 12q12.
Variant type: single nucleotide variant.
Coding change: c.2104C>T on transcript NM_153026.3 (MANE Select); coding-DNA position 2104, C replaced by T.
Protein change: p.Arg702Trp; replaces arginine 702 with tryptophan.
Molecular consequence: missense variant.
Genome position (GRCh38, 1-based): chr12:42,460,201, G>A on the plus strand (C>T on the coding strand, the complement: PRICKLE1 is on the minus strand). VCF-style: chr12-42460201-G-A. GRCh37 (hg19) VCF-style: chr12-42854003-G-A.
Other names: c.2104C>T, p.Arg702Trp (NM_001144881.2, NM_001144882.2, NM_001144883.2); short protein forms R702W.
Identifiers: ClinVar variation 588440 (VCV000588440.12), dbSNP rs751021008, ClinGen allele CA6519656.